The following is an entry in ClinVar:

ClinVar aggregate classification (germline): Uncertain significance (1 of 4 stars; one submission).

Conditions:
Cornelia de Lange syndrome 3 (CDLS3). Also called: SMC3-Related Cornelia de Lange Syndrome; CORNELIA DE LANGE SYNDROME 3 WITH OR WITHOUT MIDLINE BRAIN DEFECTS. Identifiers: Orphanet 199, MedGen C1853099, MONDO:0012555, OMIM 610759.

gnomAD v4.1: 8 of 1,613,888 alleles (0.0005%); highest among the groups gnomAD compares: East Asian, 0.0022%; no homozygotes.

Submission:

Labcorp Genetics (formerly Invitae), Labcorp
Classification: Uncertain significance for Cornelia de Lange syndrome 3. Last evaluated: 2024-04-03. Review status: criteria provided, single submitter. Criteria: Invitae Variant Classification Sherloc (09022015). Collection method: clinical testing. Allele origin: germline.
Comment: This sequence change replaces lysine, which is basic and polar, with arginine, which is basic and polar, at codon 1012 of the SMC3 protein (p.Lys1012Arg). This variant is present in population databases (rs750762654, gnomAD 0.003%). This variant has not been reported in the literature in individuals affected with SMC3-related conditions. Advanced modeling of protein sequence and biophysical properties (such as structural, functional, and spatial information, amino acid conservation, physicochemical variation, residue mobility, and thermodynamic stability) performed at Invitae indicates that this missense variant is not expected to disrupt SMC3 protein function with a negative predictive value of 80%. In summary, the available evidence is currently insufficient to determine the role of this variant in disease. Therefore, it has been classified as a Variant of Uncertain Significance.

NM_005445.4(SMC3):c.3035A>G (p.Lys1012Arg)

Gene: SMC3 (structural maintenance of chromosomes 3; plus strand). Cytogenetic location: 10q25.2.
Variant type: single nucleotide variant.
Coding change: c.3035A>G on transcript NM_005445.4 (MANE Select); coding-DNA position 3035, A replaced by G.
Protein change: p.Lys1012Arg; replaces lysine 1012 with arginine.
Molecular consequence: missense variant.
Genome position (GRCh38, 1-based): chr10:110,602,108, A>G. VCF-style: chr10-110602108-A-G. GRCh37 (hg19) VCF-style: chr10-112361866-A-G.
Other names: short protein forms K1012R.
Identifiers: ClinVar variation 3631817 (VCV003631817.2).